The following is an entry in ClinVar:

NM_001099922.3(ALG13):c.377C>A (p.Thr126Asn)

Gene: ALG13 (ALG13 UDP-N-acetylglucosaminyltransferase subunit; plus strand). Cytogenetic location: Xq23.
Variant type: single nucleotide variant.
Coding change: c.377C>A on transcript NM_001099922.3 (MANE Select); coding-DNA position 377, C replaced by A.
Protein change: p.Thr126Asn; replaces threonine 126 with asparagine.
Molecular consequence: missense variant. On other transcripts: nonsense (1), non-coding transcript variant (3).
Genome position (GRCh38, 1-based): chrX:111,685,097, C>A. VCF-style: chrX-111685097-C-A. GRCh37 (hg19) VCF-style: chrX-110928325-C-A.
Other names: c.318C>A, p.Tyr106Ter (NM_001039210.5); c.377C>A, p.Thr126Asn (NM_001168385.3, NM_001324292.2, NM_018466.6); c.65C>A, p.Thr22Asn (NM_001257230.2, NM_001257234.2, NM_001257235.3 and 6 more transcripts); c.143C>A, p.Thr48Asn (NM_001257231.2, NM_001257241.3); c.383C>A, p.Thr128Asn (NM_001324290.2); short protein forms T128N, T22N, T126N, T48N, Y106*.
Identifiers: ClinVar variation 2975030 (VCV002975030.3), dbSNP rs1242810660, ClinGen allele CA414248826.

ClinVar aggregate classification (germline): Uncertain significance (1 of 4 stars; one submission).

Conditions:
Developmental and epileptic encephalopathy, 36 (DEE36). Also called: Epileptic encephalopathy, early infantile, 36; ALG13-CDG; Congenital disorder of glycosylation, type Is. Identifiers: Orphanet 324422, MedGen C4317295, MONDO:0010472, OMIM 300884.

Allele frequency attached by ClinVar (database versions not stated): gnomAD exomes below 0.00001.
gnomAD v4.1: 1 of 1,207,824 alleles (0.000083%); highest among the groups gnomAD compares: Non-Finnish European, 0.00011%; no homozygotes.

Submission:

Labcorp Genetics (formerly Invitae), Labcorp
Classification: Uncertain significance for Developmental and epileptic encephalopathy, 36. Last evaluated: 2022-11-17. Review status: criteria provided, single submitter. Criteria: Invitae Variant Classification Sherloc (09022015). Collection method: clinical testing. Allele origin: germline.
Comment: In summary, the available evidence is currently insufficient to determine the role of this variant in disease. Therefore, it has been classified as a Variant of Uncertain Significance. Algorithms developed to predict the effect of missense changes on protein structure and function are either unavailable or do not agree on the potential impact of this missense change (SIFT: "Tolerated"; PolyPhen-2: "Probably Damaging"; Align-GVGD: "Class C0"). This variant has not been reported in the literature in individuals affected with ALG13-related conditions. This variant is present in population databases (no rsID available, gnomAD 0.001%). This sequence change replaces threonine, which is neutral and polar, with asparagine, which is neutral and polar, at codon 126 of the ALG13 protein (p.Thr126Asn).